The following is an entry in ClinVar:

NM_012291.5(ESPL1):c.3232C>A (p.His1078Asn)

Gene: ESPL1 (extra spindle pole bodies like 1, separase; plus strand). Cytogenetic location: 12q13.13.
Variant type: single nucleotide variant.
Coding change: c.3232C>A on transcript NM_012291.5 (MANE Select); coding-DNA position 3232, C replaced by A.
Protein change: p.His1078Asn; replaces histidine 1078 with asparagine.
Molecular consequence: missense variant.
Genome position (GRCh38, 1-based): chr12:53,285,968, C>A. VCF-style: chr12-53285968-C-A. GRCh37 (hg19) VCF-style: chr12-53679752-C-A.
Other names: NC_000012.11:g.53679752C>A; short protein forms H1078N.
Identifiers: ClinVar variation 3034902 (VCV003034902.3), dbSNP rs139523603, ClinGen allele CA6597457.

ClinVar aggregate classification (germline): Benign (0 of 4 stars; one submission).

Conditions:
ESPL1-related disorder. Also called: ESPL1-related condition.

Allele frequency attached by ClinVar (database versions not stated): 1000 Genomes Project 30x 0.00297; gnomAD 0.00048; 1000 Genomes Project 0.00260; ESP Exome Variant Server 0.00023.
gnomAD v4.1: 1,141 of 1,566,022 alleles (0.073%); highest among the groups gnomAD compares: South Asian, 1.1%; 13 homozygotes.

Submissions (4):

PreventionGenetics, part of Exact Sciences
Classification: Benign for ESPL1-related condition. Last evaluated: 2019-08-07. Review status: no assertion criteria provided. Collection method: clinical testing. Allele origin: germline.
Comment: This variant is classified as benign based on ACMG/AMP sequence variant interpretation guidelines (Richards et al. 2015 PMID: 25741868, with internal and published modifications).

Dr. Peter K. Rogan Lab, Western University
No classification provided (evidence only). Condition: Malignant tumor of urinary bladder. Review status: no classification provided. Collection method: in vitro. Allele origin: not applicable. Functional consequence: retained intron. Not counted in ClinVar's aggregate classification.

Dr. Peter K. Rogan Lab, Western University
No classification provided (evidence only). Condition: Clear cell carcinoma of kidney. Review status: no classification provided. Collection method: in vitro. Allele origin: not applicable. Functional consequence: retained intron. Not counted in ClinVar's aggregate classification.

Dr. Peter K. Rogan Lab, Western University
No classification provided (evidence only). Condition: Thyroid cancer, nonmedullary, 1. Review status: no classification provided. Collection method: in vitro. Allele origin: not applicable. Functional consequence: skipped exon. Not counted in ClinVar's aggregate classification.